The following is an entry in ClinVar:

ClinVar aggregate classification (germline): Likely benign. Review status: criteria provided, single submitter (1 of 4 stars). 2 submissions from 2 submitters: Likely benign (1). 1 of the submissions does not count toward it. Last evaluated 2023-12-07.

Conditions:
Walker-Warburg congenital muscular dystrophy. Also called: Muscular dystrophy-dystroglycanopathy, type A; Walker-Warburg syndrome. Identifiers: Orphanet 899, MedGen C0265221, MONDO:0000171.
Muscular dystrophy-dystroglycanopathy (congenital with impaired intellectual development), type B, 1. Also called: MUSCULAR DYSTROPHY, CONGENITAL, POMT1-RELATED; Muscular dystrophy-dystroglycanopathy (congenital with intellectual disability), type B1. Identifiers: MedGen C5436962, MONDO:0013159, OMIM 613155.
Autosomal recessive limb-girdle muscular dystrophy type 2K. Also called: MUSCULAR DYSTROPHY-DYSTROGLYCANOPATHY (LIMB-GIRDLE), TYPE C, 1; MUSCULAR DYSTROPHY, LIMB-GIRDLE, TYPE 2K. Identifiers: Orphanet 86812, MedGen C1836373, MONDO:0012248, OMIM 609308.
POMT1-related disorder. Also called: POMT1-related condition; POMT1-related disorders.

Allele frequency attached by ClinVar (database versions not stated): gnomAD exomes below 0.00001; TOPMed below 0.00001.
gnomAD v4.1: 5 of 1,597,468 alleles (0.00031%); highest among the groups gnomAD compares: Non-Finnish European, 0.00043%; no homozygotes.

Submissions (2):

Labcorp Genetics (formerly Invitae), Labcorp
Classification: Likely benign for Muscular dystrophy-dystroglycanopathy (congenital with impaired intellectual development), type B, 1; Walker-Warburg congenital muscular dystrophy; Autosomal recessive limb-girdle muscular dystrophy type 2K. Last evaluated: 2023-12-07. Review status: criteria provided, single submitter. Criteria: Invitae Variant Classification Sherloc (09022015). Collection method: clinical testing. Allele origin: germline.

PreventionGenetics, part of Exact Sciences
Classification: Likely benign for POMT1-related condition. Last evaluated: 2021-11-04. Review status: no assertion criteria provided. Collection method: clinical testing. Allele origin: germline. Not counted in ClinVar's aggregate classification.
Comment: This variant is classified as likely benign based on ACMG/AMP sequence variant interpretation guidelines (Richards et al. 2015 PMID: 25741868, with internal and published modifications).

NM_001077365.2(POMT1):c.428-7G>A

Gene: POMT1 (protein O-mannosyltransferase 1; plus strand). Cytogenetic location: 9q34.13.
Variant type: single nucleotide variant.
Coding change: c.428-7G>A on transcript NM_001077365.2 (MANE Select); 7 bases into the intron before coding-DNA position 428, G replaced by A.
Molecular consequence: intron variant.
Genome position (GRCh38, 1-based): chr9:131,508,904, G>A. VCF-style: chr9-131508904-G-A. GRCh37 (hg19) VCF-style: chr9-134384291-G-A.
Other names: c.-709-7G>A (NM_001411024.1); c.-29-7G>A (NM_001353200.2, NM_001374695.1); c.266-7G>A (NM_001077366.2, NM_001374693.1, NM_001353198.2 and 3 more transcripts); c.77-7G>A (NM_001353199.2, NM_001136114.2, NM_001374691.1 and 2 more transcripts); c.428-7G>A (NM_001353193.2, NM_001136113.2, NM_007171.4 and 2 more transcripts); c.338-7G>A (NM_001353196.2).
Identifiers: ClinVar variation 2927869 (VCV002927869.5), dbSNP rs1163773811, ClinGen allele CA860564651.